The following is an entry in ClinVar:

NM_020937.4(FANCM):c.1436T>A (p.Val479Asp)

Gene: FANCM (FA complementation group M; plus strand). Cytogenetic location: 14q21.2.
Variant type: single nucleotide variant.
Coding change: c.1436T>A on transcript NM_020937.4 (MANE Select); coding-DNA position 1436, T replaced by A.
Protein change: p.Val479Asp; replaces valine 479 with aspartic acid.
Molecular consequence: missense variant.
Genome position (GRCh38, 1-based): chr14:45,159,135, T>A. VCF-style: chr14-45159135-T-A. GRCh37 (hg19) VCF-style: chr14-45628338-T-A.
Other names: c.1358T>A, p.Val453Asp (NM_001308133.2); c.1436T>A, p.Val479Asp (NM_001308134.2); short protein forms V479D, V453D.
Identifiers: ClinVar variation 4619604 (VCV004619604.1).

ClinVar aggregate classification (germline): Uncertain significance (1 of 4 stars; one submission).

Conditions:
Inborn genetic diseases. Identifiers: MedGen C0950123, MeSH D030342.

gnomAD v4.1: 5 of 1,612,616 alleles (0.00031%); highest among the groups gnomAD compares: Non-Finnish European, 0.00042%; no homozygotes.

Submission:

Ambry Genetics
Classification: Uncertain significance for Inborn genetic diseases. Last evaluated: 2025-11-25. Review status: criteria provided, single submitter. Criteria: Ambry Variant Classification Scheme 2023. Collection method: clinical testing. Allele origin: germline.
Comment: The p.V479D variant (also known as c.1436T>A), located in coding exon 9 of the FANCM gene, results from a T to A substitution at nucleotide position 1436. The valine at codon 479 is replaced by aspartic acid, an amino acid with highly dissimilar properties. This amino acid position is conserved. In addition, this alteration is predicted to be deleterious by in silico analysis. Based on the available evidence, the clinical significance of this variant remains unclear.